The following is an entry in ClinVar:

ClinVar aggregate classification (germline): Uncertain significance (1 of 4 stars; one submission).

Allele frequency attached by ClinVar (database versions not stated): TOPMed 0.00001.
gnomAD v4.1: 3 of 1,614,022 alleles (0.00019%); highest among the groups gnomAD compares: African/African-American, 0.0013%; no homozygotes.

Submission:

GeneDx
Classification: Uncertain significance. Last evaluated: 2018-09-12. Review status: criteria provided, single submitter. Criteria: GeneDx Variant Classification (06012015). Collection method: clinical testing. Allele origin: germline. Affected: yes.
Comment: A variant of uncertain significance has been identified in the FBN2 gene. The R906L variant has not been published as pathogenic or been reported as benign to our knowledge. This variant is not observed at a significant frequency in large population cohorts (Lek et al., 2016). The R906L variant is a non-conservative amino acid substitution, which is likely to impact secondary protein structure as these residues differ in polarity, charge, size and/or other properties. Although this substitution occurs at a position where amino acids with similar properties to arginine (R) are tolerated across species, in silico analysis predicts this variant is probably damaging to the protein structure/function. Nevertheless, the R906L variant does not affect a cysteine residue within a calcium-binding EGF-like domain of the FBN2 gene. Cysteine substitutions in the calcium-binding EGF-like domains represent the majority of pathogenic missense changes associated with CCA (Collod-Beroud et al., 2003; FrÃ©dÃ©ric et al., 2009).

NM_001999.4(FBN2):c.2717G>T (p.Arg906Leu)

Gene: FBN2 (fibrillin 2; minus strand). Cytogenetic location: 5q23.3.
Variant type: single nucleotide variant.
Coding change: c.2717G>T on transcript NM_001999.4 (MANE Select); coding-DNA position 2717, G replaced by T.
Protein change: p.Arg906Leu; replaces arginine 906 with leucine.
Molecular consequence: missense variant.
Genome position (GRCh38, 1-based): chr5:128,350,963, C>A on the plus strand (G>T on the coding strand, the complement: FBN2 is on the minus strand). VCF-style: chr5-128350963-C-A. GRCh37 (hg19) VCF-style: chr5-127686655-C-A.
Other names: short protein forms R906L.
Identifiers: ClinVar variation 453089 (VCV000453089.2), dbSNP rs370973542, ClinGen allele CA360766383.